The following is an entry in ClinVar:

NM_002691.4(POLD1):c.329C>G (p.Pro110Arg)

Gene: POLD1 (DNA polymerase delta 1, catalytic subunit; plus strand). Cytogenetic location: 19q13.33.
Variant type: single nucleotide variant.
Coding change: c.329C>G on transcript NM_002691.4 (MANE Select); coding-DNA position 329, C replaced by G.
Protein change: p.Pro110Arg; replaces proline 110 with arginine.
Molecular consequence: missense variant. On other transcripts: non-coding transcript variant (1).
Genome position (GRCh38, 1-based): chr19:50,401,790, C>G. VCF-style: chr19-50401790-C-G. GRCh37 (hg19) VCF-style: chr19-50905047-C-G.
Other names: c.329C>G, p.Pro110Arg (NM_001256849.1, NM_001308632.1); c.329C>G (NM_002691.2); short protein forms P110R.
Identifiers: ClinVar variation 1381639 (VCV001381639.7), dbSNP rs1342814246, ClinGen allele CA406972099.

ClinVar aggregate classification (germline): Uncertain significance. Review status: criteria provided, multiple submitters, no conflicts (2 of 4 stars). 2 submissions from 2 submitters: Uncertain significance (2). Last evaluated 2025-02-28.

Conditions:
POLD1-related polyposis and colorectal cancer syndrome (CRCS10). Also called: Colorectal cancer, susceptibility to, 10; Colorectal cancer 10; COLORECTAL CANCER, SUSCEPTIBILITY TO, ON CHROMOSOME 19q. Identifiers: Orphanet 220460, MedGen C2675481, MONDO:0012953, OMIM 612591.
Hereditary cancer-predisposing syndrome. Also called: Tumor predisposition; Hereditary Cancer Syndrome; Hereditary neoplastic syndrome; Neoplastic Syndromes, Hereditary. Identifiers: Orphanet 140162, MedGen C0027672, MeSH D009386, MONDO:0015356.

Allele frequency attached by ClinVar (database versions not stated): gnomAD exomes below 0.00001.
gnomAD v4.1: 2 of 1,612,778 alleles (0.00012%); highest among the groups gnomAD compares: Admixed American, 0.0033%; no homozygotes.

Submissions (2):

Ambry Genetics
Classification: Uncertain significance for Hereditary cancer-predisposing syndrome. Last evaluated: 2025-02-28. Review status: criteria provided, single submitter. Criteria: Ambry Variant Classification Scheme 2023. Collection method: clinical testing. Allele origin: germline.
Comment: The p.P110R variant (also known as c.329C>G), located in coding exon 3 of the POLD1 gene, results from a C to G substitution at nucleotide position 329. The proline at codon 110 is replaced by arginine, an amino acid with dissimilar properties. This amino acid position is conserved. In addition, this alteration is predicted to be tolerated by in silico analysis. Based on the available evidence, the clinical significance of this variant remains unclear.

Labcorp Genetics (formerly Invitae), Labcorp
Classification: Uncertain significance for POLD1-related polyposis and colorectal cancer syndrome. Last evaluated: 2023-08-01. Review status: criteria provided, single submitter. Criteria: Invitae Variant Classification Sherloc (09022015). Collection method: clinical testing. Allele origin: germline.
Comment: This variant is not present in population databases (gnomAD no frequency). In summary, the available evidence is currently insufficient to determine the role of this variant in disease. Therefore, it has been classified as a Variant of Uncertain Significance. An algorithm developed to predict the effect of missense changes on protein structure and function (PolyPhen-2) suggests that this variant is likely to be tolerated. ClinVar contains an entry for this variant (Variation ID: 1381639). This variant has not been reported in the literature in individuals affected with POLD1-related conditions. This sequence change replaces proline, which is neutral and non-polar, with arginine, which is basic and polar, at codon 110 of the POLD1 protein (p.Pro110Arg).